The following is an entry in ClinVar:

ClinVar aggregate classification (germline): Uncertain significance (1 of 4 stars; one submission).

gnomAD v4.1: 20 of 1,554,734 alleles (0.0013%); highest among the groups gnomAD compares: Non-Finnish European, 0.0012%; no homozygotes.

Submission:

Labcorp Genetics (formerly Invitae), Labcorp
Classification: Uncertain significance. Last evaluated: 2024-10-02. Review status: criteria provided, single submitter. Criteria: Invitae Variant Classification Sherloc (09022015). Collection method: clinical testing. Allele origin: germline.
Comment: This sequence change falls in intron 55 of the FBN3 gene. It does not directly change the encoded amino acid sequence of the FBN3 protein. It affects a nucleotide within the consensus splice site. The frequency data for this variant in the population databases is considered unreliable, as metrics indicate poor data quality at this position in the gnomAD database. This variant has not been reported in the literature in individuals affected with FBN3-related conditions. Variants that disrupt the consensus splice site are a relatively common cause of aberrant splicing (PMID: 17576681, 9536098). Algorithms developed to predict the effect of sequence changes on RNA splicing suggest that this variant is not likely to affect RNA splicing. In summary, the available evidence is currently insufficient to determine the role of this variant in disease. Therefore, it has been classified as a Variant of Uncertain Significance.

Literature cited by the submitters: PubMed 17576681; PubMed 9536098.

NM_032447.5(FBN3):c.6880+6T>C

Gene: FBN3 (fibrillin 3; minus strand). Cytogenetic location: 19p13.2.
Variant type: single nucleotide variant.
Coding change: c.6880+6T>C on transcript NM_032447.5 (MANE Select); 6 bases into the intron after coding-DNA position 6880, T replaced by C.
Molecular consequence: intron variant.
Genome position (GRCh38, 1-based): chr19:8,086,194, A>G on the plus strand (T>C on the coding strand, the complement: FBN3 is on the minus strand). VCF-style: chr19-8086194-A-G. GRCh37 (hg19) VCF-style: chr19-8151078-A-G.
Other names: c.6880+6T>C (NM_001321431.2).
Identifiers: ClinVar variation 3616132 (VCV003616132.2).